The following is an entry in ClinVar:

ClinVar aggregate classification (germline): Likely benign. Review status: criteria provided, single submitter (1 of 4 stars). 2 submissions from 2 submitters: Likely benign (1). 1 of the submissions does not count toward it. Last evaluated 2022-11-23.

Conditions:
PCK2-related disorder. Also called: PCK2-related condition.

Allele frequency attached by ClinVar (database versions not stated): TOPMed 0.00002; gnomAD 0.00015; gnomAD exomes 0.00025; ExAC 0.00059; 1000 Genomes Project 0.00080; 1000 Genomes Project 30x 0.00109.
gnomAD v4.1: 394 of 1,614,140 alleles (0.024%); highest among the groups gnomAD compares: South Asian, 0.41%; 7 homozygotes.

Submissions (2):

Labcorp Genetics (formerly Invitae), Labcorp
Classification: Likely benign. Last evaluated: 2022-11-23. Review status: criteria provided, single submitter. Criteria: Invitae Variant Classification Sherloc (09022015). Collection method: clinical testing. Allele origin: germline.

PreventionGenetics, part of Exact Sciences
Classification: Likely benign for PCK2-related condition. Last evaluated: 2024-03-21. Review status: no assertion criteria provided. Collection method: clinical testing. Allele origin: germline. Not counted in ClinVar's aggregate classification.
Comment: This variant is classified as likely benign based on ACMG/AMP sequence variant interpretation guidelines (Richards et al. 2015 PMID: 25741868, with internal and published modifications).

NM_004563.4(PCK2):c.1795C>T (p.Pro599Ser)

Genes: NRL (neural retina leucine zipper; minus strand), PCK2 (phosphoenolpyruvate carboxykinase 2, mitochondrial; plus strand). Cytogenetic location: 14q12.
Variant type: single nucleotide variant.
Coding change: c.1795C>T on transcript NM_004563.4 (MANE Select); coding-DNA position 1795, C replaced by T.
Protein change: p.Pro599Ser; replaces proline 599 with serine.
Molecular consequence: missense variant. On other transcripts: intron variant (3).
Genome position (GRCh38, 1-based): chr14:24,103,836, C>T. VCF-style: chr14-24103836-C-T. GRCh37 (hg19) VCF-style: chr14-24573045-C-T.
Other names: c.1393C>T, p.Pro465Ser (NM_001308054.2, NM_001291556.2); c.-28+10886G>A (NM_001354768.3, NM_001354770.2); c.-254+10886G>A (NM_006177.5); c.1795C>T (NM_004563.3); short protein forms P465S, P599S.
Identifiers: ClinVar variation 2859343 (VCV002859343.4), dbSNP rs201496467, ClinGen allele CA7123635.
Genomic context (GRCh38, chr14:24,103,836, plus strand): 5'-GAAGGAGCCTTGGATCTCAGCGGCCTCAGAGCTATAGACACCACTCAGCTGTTCTCCCTC[C>T]CCAAGGACTTCTGGGAACAGGAGGTTCGTGACATTCGGAGCTACCTGACAGAGCAGGTCA-3'
Protein context (NP_004554.3, residues 589-609): AIDTTQLFSL[Pro599Ser]KDFWEQEVRD